The following is an entry in ClinVar:

ClinVar aggregate classification (germline): Conflicting classifications of pathogenicity. Review status: criteria provided, conflicting classifications (1 of 4 stars). 6 submissions from 6 submitters: Uncertain significance (3); Benign (1); Likely benign (2). Last evaluated 2025-03-31.

Conditions:
Dilated cardiomyopathy 1G (CMD1G). Identifiers: Orphanet 154, MedGen C1858763, MONDO:0011400, OMIM 604145.
Autosomal recessive limb-girdle muscular dystrophy type 2J (LGMDR10). Also called: MUSCULAR DYSTROPHY, LIMB-GIRDLE, AUTOSOMAL RECESSIVE 10; Limb-girdle muscular dystrophy, type 2J. Identifiers: Orphanet 140922, MedGen C1837342, MONDO:0012127, OMIM 608807.
TTN-related disorder. Also called: TTN-related disorders; TTN-related condition; TTN-related disease.

Allele frequency attached by ClinVar (database versions not stated): gnomAD 0.00032 and 0.00034; gnomAD exomes 0.00004 and 0.00007; ESP Exome Variant Server 0.00033; ExAC 0.00012; TOPMed 0.00032; 1000 Genomes Project 30x 0.00062; 1000 Genomes Project 0.00040.
gnomAD v4.1: 104 of 1,612,950 alleles (0.0064%); highest among the groups gnomAD compares: African/African-American, 0.13%; no homozygotes.

Submissions (6):

PreventionGenetics, part of Exact Sciences
Classification: Likely benign for TTN-related condition. Last evaluated: 2025-03-31. Review status: criteria provided, single submitter. Criteria: ACMG Guidelines, 2015. Collection method: clinical testing. Allele origin: germline.
Comment: This variant is classified as likely benign based on ACMG/AMP sequence variant interpretation guidelines (Richards et al. 2015 PMID: 25741868, with internal and published modifications).

Blueprint Genetics
Classification: Likely benign. Last evaluated: 2024-04-03. Review status: criteria provided, single submitter. Criteria: ACMG Guidelines, 2015. Collection method: clinical testing. Allele origin: germline.

Women's Health and Genetics/Laboratory Corporation of America, LabCorp
Classification: Uncertain significance. Last evaluated: 2023-01-29. Review status: criteria provided, single submitter. Criteria: LabCorp Variant Classification Summary - May 2015. Collection method: clinical testing. Allele origin: germline.

Labcorp Genetics (formerly Invitae), Labcorp
Classification: Uncertain significance for Dilated cardiomyopathy 1G; Autosomal recessive limb-girdle muscular dystrophy type 2J. Last evaluated: 2017-08-14. Review status: criteria provided, single submitter. Criteria: Invitae Variant Classification Sherloc (09022015). Collection method: clinical testing. Allele origin: germline.

Laboratory for Molecular Medicine, Mass General Brigham Personalized Medicine
Classification: Uncertain significance. Last evaluated: 2015-11-12. Review status: criteria provided, single submitter. Criteria: LMM Criteria. Collection method: clinical testing. Allele origin: germline. Observed: 2 variant alleles.
Comment: The c.45583+6G>A variant in TTN has not been previously reported in individuals with cardiomyopathy, but has been identified in 0.14% (14/9796) of European chro mosomes by the Exome Aggregation Consortium (ExAC, g/; dbSNP rs149890360). This variant is located in the 5' splice region. Computa tional tools do not suggest an impact to splicing. However, this information is not predictive enough to rule out pathogenicity. In summary, the clinical signif icance of the c.45583+6G>A variant is uncertain.

GeneDx
Classification: Benign. Last evaluated: 2014-09-09. Review status: criteria provided, single submitter. Criteria: GeneDx Variant Classification (06012015). Collection method: clinical testing. Allele origin: germline. Affected: yes.
Comment: This variant is considered likely benign or benign based on one or more of the following criteria: it is a conservative change, it occurs at a poorly conserved position in the protein, it is predicted to be benign by multiple in silico algorithms, and/or has population frequency not consistent with disease.

NM_001267550.2(TTN):c.53287+6G>A

Genes: TTN (titin; minus strand), TTN-AS1 (TTN antisense RNA 1; plus strand), LOC126806425 (BRD4-independent group 4 enhancer GRCh37_chr2:179471933-179473132; plus strand). Cytogenetic location: 2q31.2.
Variant type: single nucleotide variant.
Coding change: c.53287+6G>A on transcript NM_001267550.2 (MANE Select); 6 bases into the intron after coding-DNA position 53287, G replaced by A.
Molecular consequence: intron variant.
Genome position (GRCh38, 1-based): chr2:178,607,395, C>T on the plus strand (G>A on the coding strand, the complement: TTN is on the minus strand). VCF-style: chr2-178607395-C-T. GRCh37 (hg19) VCF-style: chr2-179472122-C-T.
Other names: c.26092+6G>A (NM_003319.4); c.26668+6G>A (NM_133437.4); c.26467+6G>A (NM_133432.3); c.45583+6G>A (NM_133378.4); c.48364+6G>A (NM_001256850.1).
Identifiers: ClinVar variation 202273 (VCV000202273.51), dbSNP rs149890360, ClinGen allele CA308951.